The following is an entry in ClinVar:

NM_001754.5(RUNX1):c.782C>T (p.Pro261Leu)

Gene: RUNX1 (RUNX family transcription factor 1; minus strand). Cytogenetic location: 21q22.12.
Variant type: single nucleotide variant.
Coding change: c.782C>T on transcript NM_001754.5 (MANE Select); coding-DNA position 782, C replaced by T.
Protein change: p.Pro261Leu; replaces proline 261 with leucine.
Molecular consequence: missense variant.
Genome position (GRCh38, 1-based): chr21:34,834,433, G>A on the plus strand (C>T on the coding strand, the complement: RUNX1 is on the minus strand). VCF-style: chr21-34834433-G-A. GRCh37 (hg19) VCF-style: chr21-36206730-G-A.
Other names: NM_001754.5(RUNX1):c.782C>T; p.Pro261Leu; c.782C>T (NM_001754.4); c.701C>T, p.Pro234Leu (NM_001001890.3, NM_001122607.2); short protein forms P261L, P234L.
Identifiers: ClinVar variation 1349433 (VCV001349433.10), dbSNP rs2146074704, ClinGen allele CA410206697.

ClinVar aggregate classification (germline): Uncertain significance. Review status: reviewed by expert panel (3 of 4 stars). 3 submissions from 3 submitters: Uncertain significance (1). 2 of the submissions do not count toward it. Last evaluated 2024-09-12.

Conditions:
Hereditary thrombocytopenia and hematologic cancer predisposition syndrome. Identifiers: Orphanet 71290, MedGen CN281654, MONDO:0011071.
Hereditary thrombocytopenia and hematological cancer predisposition syndrome associated with RUNX1. Also called: PLATELET DISORDER, ASPIRIN-LIKE; RUNX1 Familial Platelet Disorder with Associated Myeloid Malignancies; Familial Platelet Disorder with Propensity to Acute Myelogenous Leukemia; Familial thrombocytopenia with propensity to acute myelogenous leukemia. Identifiers: Orphanet 71290, MedGen C1832388, MeSH C563324, MONDO:0100083, OMIM 601399.
Inborn genetic diseases. Identifiers: MedGen C0950123, MeSH D030342.

Submissions (3):

ClinGen Myeloid Malignancy Variant Curation Expert Panel
Classification: Uncertain significance for Hereditary thrombocytopenia and hematologic cancer predisposition syndrome. Last evaluated: 2024-09-12. Review status: reviewed by expert panel. Criteria: ClinGen MyeloMalig ACMG Specifications v2. Collection method: curation. Allele origin: germline. Inheritance: Autosomal dominant inheritance.
Comment: NM_001754.5(RUNX1):c.782C>T (p.Pro261Leu) is a missense variant which is completely absent from population databases (PM2_Supporting). This variant has not been reported in any proband meeting at least one of the RUNX1-phenotypic criteria. It has a REVEL score of 0.519. In summary, the clinical significance of this variant is uncertain. ACMG/AMP criteria applied, as specified by the Myeloid Malignancy Variant Curation Expert Panel for RUNX1: PM2_Supporting.

Ambry Genetics
Classification: Uncertain significance for Inborn genetic diseases. Last evaluated: 2025-03-15. Review status: criteria provided, single submitter. Criteria: Ambry Variant Classification Scheme 2023. Collection method: clinical testing. Allele origin: germline. Not counted in ClinVar's aggregate classification.
Comment: The p.P261L variant (also known as c.782C>T), located in coding exon 6 of the RUNX1 gene, results from a C to T substitution at nucleotide position 782. The proline at codon 261 is replaced by leucine, an amino acid with similar properties. This amino acid position is conserved. In addition, the in silico prediction for this alteration is inconclusive. Based on the available evidence, the clinical significance of this variant remains unclear.

Labcorp Genetics (formerly Invitae), Labcorp
Classification: Uncertain significance for Hereditary thrombocytopenia and hematological cancer predisposition syndrome associated with RUNX1. Last evaluated: 2021-04-14. Review status: criteria provided, single submitter. Criteria: Invitae Variant Classification Sherloc (09022015). Collection method: clinical testing. Allele origin: germline. Not counted in ClinVar's aggregate classification.
Comment: This variant has not been reported in the literature in individuals with RUNX1-related conditions. In summary, the available evidence is currently insufficient to determine the role of this variant in disease. Therefore, it has been classified as a Variant of Uncertain Significance. Algorithms developed to predict the effect of missense changes on protein structure and function are either unavailable or do not agree on the potential impact of this missense change (SIFT: "Tolerated"; PolyPhen-2: "Possibly Damaging"; Align-GVGD: "Class C0"). This variant is not present in population databases (ExAC no frequency). This sequence change replaces proline with leucine at codon 261 of the RUNX1 protein (p.Pro261Leu). The proline residue is moderately conserved and there is a moderate physicochemical difference between proline and leucine.